The following is an entry in ClinVar:

ClinVar aggregate classification (germline): Uncertain significance (1 of 4 stars; one submission).

Submission:

Labcorp Genetics (formerly Invitae), Labcorp
Classification: Uncertain significance. Last evaluated: 2024-05-19. Review status: criteria provided, single submitter. Criteria: Invitae Variant Classification Sherloc (09022015). Collection method: clinical testing. Allele origin: germline.
Comment: This sequence change replaces serine, which is neutral and polar, with proline, which is neutral and non-polar, at codon 499 of the TOPORS protein (p.Ser499Pro). Information on the frequency of this variant in the gnomAD database is not available, as this variant may be reported differently in the database. This variant has not been reported in the literature in individuals affected with TOPORS-related conditions. Experimental studies and prediction algorithms are not available or were not evaluated, and the functional significance of this variant is currently unknown. In summary, the available evidence is currently insufficient to determine the role of this variant in disease. Therefore, it has been classified as a Variant of Uncertain Significance.

NM_005802.5(TOPORS):c.1494_1495delinsGC (p.Ser499Pro)

Gene: TOPORS (TOP1 binding arginine/serine rich protein, E3 ubiquitin ligase; minus strand). Cytogenetic location: 9p21.1.
Variant type: Indel.
Coding change: c.1494_1495delinsGC on transcript NM_005802.5 (MANE Select); coding-DNA positions 1494 to 1495, CT replaced by GC.
Protein change: p.Ser499Pro; replaces serine 499 with proline.
Molecular consequence: missense variant.
Genome position (GRCh38, 1-based): chr9:32,543,030-32,543,031, AG replaced by GC on the plus strand (CT replaced by GC on the coding strand, the reverse complement: TOPORS is on the minus strand). VCF-style: chr9-32543030-AG-GC. GRCh37 (hg19) VCF-style: chr9-32543028-AG-GC.
Other names: c.1299_1300delinsGC, p.Ser434Pro (NM_001195622.2); short protein forms S499P, S434P.
Identifiers: ClinVar variation 3642177 (VCV003642177.2).